The following is an entry in ClinVar:

NM_018451.5(CPAP):c.-67+17A>G

Gene: CPAP (centrosome assembly and centriole elongation protein; minus strand). Cytogenetic location: 13q12.13.
Variant type: single nucleotide variant.
Coding change: c.-67+17A>G on transcript NM_018451.5 (MANE Select); 17 bases into the intron after 67 bases upstream of the start codon, A replaced by G.
Molecular consequence: intron variant.
Genome position (GRCh38, 1-based): chr13:24,922,744, T>C on the plus strand (A>G on the coding strand, the complement: CPAP is on the minus strand). VCF-style: chr13-24922744-T-C. GRCh37 (hg19) VCF-style: chr13-25496882-T-C.
Identifiers: ClinVar variation 512676 (VCV000512676.1), dbSNP rs538194617, ClinGen allele CA247099822.
Genomic context (GRCh38, chr13:24,922,744, plus strand): 5'-TGCCCGCCCACCGCCGTCCATCTCCGGCGCAGGGCGGCGGACAAAGAGCTCCTCCGCTCT[T>C]TTCGCCCACAAATTACCGCTCCGTGAAGCCTGGGCAGCTCAGCAGCACGAACCGACACCT-3'

ClinVar aggregate classification (germline): Likely benign (1 of 4 stars; one submission).

Allele frequency attached by ClinVar (database versions not stated): gnomAD 0.00047 and 0.00048; TOPMed 0.00056; 1000 Genomes Project 0.00080; 1000 Genomes Project 30x 0.00094.
gnomAD v4.1: 72 of 152,380 alleles (0.047%); highest among the groups gnomAD compares: African/African-American, 0.15%; no homozygotes.

Submission:

GeneDx
Classification: Likely benign. Last evaluated: 2017-10-13. Review status: criteria provided, single submitter. Criteria: GeneDx Variant Classification (06012015). Collection method: clinical testing. Allele origin: germline. Affected: yes.
Comment: This variant is considered likely benign or benign based on one or more of the following criteria: it is a conservative change, it occurs at a poorly conserved position in the protein, it is predicted to be benign by multiple in silico algorithms, and/or has population frequency not consistent with disease.